The following is an entry in ClinVar:

ClinVar aggregate classification (germline): Pathogenic. Review status: criteria provided, multiple submitters, no conflicts (2 of 4 stars). 2 submissions from 2 submitters: Pathogenic (2). Last evaluated 2023-11-30.

Conditions:
Colorectal cancer. Also called: Colorectal cancer, somatic; Malignant Colorectal Neoplasm. Identifiers: MedGen C0346629, MONDO:0005575, OMIM 114500.
Hepatocellular carcinoma (HCC). Also called: LIVER CELL CARCINOMA; Primary carcinoma of liver; HEPATOMA. Identifiers: Orphanet 88673, MedGen C2239176, MONDO:0007256, OMIM 114550, HP:0001402.
Gastric cancer. Also called: Stomach cancer; Malignant tumor of stomach. Identifiers: MedGen C0024623, MeSH D013274, MONDO:0001056, OMIM 613659, HP:0012126.
Gastric adenocarcinoma and proximal polyposis of the stomach (GAPPS). Also called: Polyposis, gastric, Dos Santos and de Magalhaes 1980; POLYPOSIS, GASTRIC; Gastric Adenocarcinoma and Proximal Polyposis of the Stomach (GAPPS). Identifiers: Orphanet 314022, MedGen C4749917, MONDO:0017790, OMIM 619182.
Desmoid disease, hereditary (DESMD). Also called: FIBROMATOSIS, FAMILIAL INFILTRATIVE. Identifiers: Orphanet 873, MedGen C1851124, OMIM 135290. Disease mechanism: loss of function.
Familial adenomatous polyposis 1 (FAP1). Also called: FAMILIAL ADENOMATOUS POLYPOSIS 1, ATTENUATED; POLYPOSIS, ADENOMATOUS INTESTINAL. Identifiers: MedGen C2713442, MONDO:0021056, OMIM 175100. Disease mechanism: loss of function.
Hereditary cancer-predisposing syndrome. Also called: Neoplastic Syndromes, Hereditary; Tumor predisposition; Hereditary Cancer Syndrome; Hereditary neoplastic syndrome. Identifiers: Orphanet 140162, MedGen C0027672, MeSH D009386, MONDO:0015356.

Submissions (2):

Ambry Genetics
Classification: Pathogenic for Hereditary cancer-predisposing syndrome. Last evaluated: 2023-11-30. Review status: criteria provided, single submitter. Criteria: Ambry Variant Classification Scheme 2023. Collection method: clinical testing. Allele origin: germline.
Comment: The c.1380delA pathogenic mutation, located in coding exon 10 of the APC gene, results from a deletion of one nucleotide at nucleotide position 1380, causing a translational frameshift with a predicted alternate stop codon (p.E461Sfs*6). This alteration has been observed in at least one individual with a personal and/or family history that is consistent with APC-related disease (Ambry internal data). This variant is considered to be rare based on population cohorts in the Genome Aggregation Database (gnomAD). This alteration is expected to result in loss of function by premature protein truncation or nonsense-mediated mRNA decay. As such, this alteration is interpreted as a disease-causing mutation.

Juno Genomics, Hangzhou Juno Genomics, Inc
Classification: Pathogenic for Familial adenomatous polyposis 1; Colorectal cancer; Desmoid disease, hereditary; Gastric adenocarcinoma and proximal polyposis of the stomach; Gastric cancer; Hepatocellular carcinoma. Review status: criteria provided, single submitter. Criteria: ACMG Guidelines, 2015. Collection method: clinical testing. Allele origin: germline. Affected: yes.
Comment: Null variant in a gene where loss of function (LOF) is a known mechanism of disease.;Absent from controls (or at extremely low frequency if recessive) in Genome Aggregation Database, Exome Sequencing Project, 1000 Genomes Project, or Exome Aggregation Consortium.;Patient's phenotype or family history is highly specific for a disease with a single genetic etiology.

NM_000038.6(APC):c.1380del (p.Glu461fs)

Gene: APC (APC regulator of Wnt signaling pathway; plus strand). Cytogenetic location: 5q22.2.
Variant type: Deletion.
Coding change: c.1380del on transcript NM_000038.6 (MANE Select); coding-DNA position 1380, one base deleted (A; older notation c.1380delA).
Protein change: p.Glu461fs; shifts the reading frame from glutamic acid 461.
Molecular consequence: frameshift variant. On other transcripts: non-coding transcript variant (2).
Genome position (GRCh38, 1-based): chr5:112,821,963, A deleted; the last of 2 consecutive A bases (chr5:112,821,962-112,821,963); deleting either gives the same sequence. VCF-style (leftmost placement, unchanged base first): chr5-112821961-GA-G. GRCh37 (hg19) VCF-style: chr5-112157658-GA-G.
Other names: c.1380del, p.Glu461fs (NM_001127510.3, NM_001354895.2, NM_001354896.2 and 4 more transcripts); c.1326del, p.Glu443fs (NM_001127511.3); c.1410del, p.Glu471fs (NM_001354897.2, NM_001407446.1); c.1305del, p.Glu436fs (NM_001354898.2, NM_001407451.1); c.1296del, p.Glu433fs (NM_001354899.2, NM_001407452.1); c.1203del, p.Glu402fs (NM_001354900.2, NM_001354901.2, NM_001407453.1); c.1107del, p.Glu370fs (NM_001354902.2); c.1077del, p.Glu360fs (NM_001354903.2, NM_001407454.1, NM_001407455.1 and 5 more transcripts); and 5 more; short protein forms E178fs, E301fs, E332fs, E335fs, E360fs, E370fs, E402fs, E433fs.
Identifiers: ClinVar variation 3232245 (VCV003232245.3), dbSNP rs2533110396, ClinGen allele CA2825001345.